The following is an entry in ClinVar:

ClinVar aggregate classification (germline): Uncertain significance. Review status: criteria provided, multiple submitters, no conflicts (2 of 4 stars). 2 submissions from 2 submitters: Uncertain significance (2). Last evaluated 2023-05-18.

Conditions:
Inborn genetic diseases. Identifiers: MedGen C0950123, MeSH D030342.
Landau-Kleffner syndrome (FESD). Also called: APHASIA, ACQUIRED, WITH EPILEPSY; EPILEPSY, FOCAL, WITH SPEECH DISORDER AND WITH OR WITHOUT MENTAL RETARDATION. Identifiers: Orphanet 1945, Orphanet 725, Orphanet 98818, MedGen C0282512, MONDO:0009509, OMIM 245570.

Allele frequency attached by ClinVar (database versions not stated): TOPMed 0.00001.
gnomAD v4.1: 6 of 1,612,242 alleles (0.00037%); highest among the groups gnomAD compares: African/African-American, 0.0053%; no homozygotes.

Submissions (2):

Ambry Genetics
Classification: Uncertain significance for Inborn genetic diseases. Last evaluated: 2023-05-18. Review status: criteria provided, single submitter. Criteria: Ambry Variant Classification Scheme 2023. Collection method: clinical testing. Allele origin: germline.
Comment: The c.1777+6G>C intronic alteration consists of a G to C substitution 6 nucleotides after exon 9 (coding exon 7) in the GRIN2A gene. Based on insufficient or conflicting evidence, the clinical significance of this alteration remains unclear.

Labcorp Genetics (formerly Invitae), Labcorp
Classification: Uncertain significance for Landau-Kleffner syndrome. Last evaluated: 2019-11-27. Review status: criteria provided, single submitter. Criteria: Invitae Variant Classification Sherloc (09022015). Collection method: clinical testing. Allele origin: germline.
Comment: This variant has not been reported in the literature in individuals with GRIN2A-related conditions. In summary, the available evidence is currently insufficient to determine the role of this variant in disease. Therefore, it has been classified as a Variant of Uncertain Significance. Nucleotide substitutions within the consensus splice site are a relatively common cause of aberrant splicing (PMID: 17576681, 9536098). Algorithms developed to predict the effect of sequence changes on RNA splicing suggest that this variant is not likely to affect RNA splicing, but this prediction has not been confirmed by published transcriptional studies. This variant is not present in population databases (ExAC no frequency). This sequence change falls in intron 9 of the GRIN2A gene. It does not directly change the encoded amino acid sequence of the GRIN2A protein, but it affects a nucleotide within the consensus splice site of the intron.

Literature cited by the submitters: PubMed 17576681 (cited by Labcorp Genetics (formerly Invitae), Labcorp); PubMed 9536098 (cited by Labcorp Genetics (formerly Invitae), Labcorp).

NM_001134407.3(GRIN2A):c.1777+6G>C

Gene: GRIN2A (glutamate ionotropic receptor NMDA type subunit 2A; minus strand). Cytogenetic location: 16p13.2.
Variant type: single nucleotide variant.
Coding change: c.1777+6G>C on transcript NM_001134407.3 (MANE Select); 6 bases into the intron after coding-DNA position 1777, G replaced by C.
Molecular consequence: intron variant.
Genome position (GRCh38, 1-based): chr16:9,834,099, C>G on the plus strand (G>C on the coding strand, the complement: GRIN2A is on the minus strand). VCF-style: chr16-9834099-C-G. GRCh37 (hg19) VCF-style: chr16-9927956-C-G.
Other names: c.1777+6G>C (NM_001134408.2, NM_000833.5, NM_000833.3).
Identifiers: ClinVar variation 842422 (VCV000842422.9), dbSNP rs76549675, ClinGen allele CA620955398.